The following is an entry in ClinVar:

ClinVar aggregate classification (germline): Benign (1 of 4 stars; one submission).

Allele frequency attached by ClinVar (database versions not stated): 1000 Genomes Project 30x 0.12071; 1000 Genomes Project 0.12340; gnomAD exomes 0.15573; ExAC 0.15841; TOPMed 0.16838; gnomAD 0.17003 and 0.17378; ESP Exome Variant Server 0.19118.

Submission:

GeneDx
Classification: Benign. Last evaluated: 2020-02-17. Review status: criteria provided, single submitter. Criteria: GeneDx Variant Classification Process June 2021. Collection method: clinical testing. Allele origin: germline. Affected: yes.
Comment: This variant is associated with the following publications: (PMID: 22182809)

NM_001105564.2(CCHCR1):c.592C>T (p.Arg198Trp)

Gene: CCHCR1 (coiled-coil alpha-helical rod protein 1; minus strand). Cytogenetic location: 6p21.33.
Variant type: single nucleotide variant.
Coding change: c.592C>T on transcript NM_001105564.2 (MANE Select); coding-DNA position 592, C replaced by T.
Protein change: p.Arg198Trp; replaces arginine 198 with tryptophan.
Molecular consequence: missense variant. On other transcripts: 5 prime UTR variant (1).
Genome position (GRCh38, 1-based): chr6:31,154,705, G>A on the plus strand (C>T on the coding strand, the complement: CCHCR1 is on the minus strand). VCF-style: chr6-31154705-G-A. GRCh37 (hg19) VCF-style: chr6-31122482-G-A.
Other names: c.484C>T, p.Arg162Trp (NM_001105563.3); c.619C>T, p.Arg207Trp (NM_001394641.1); c.325C>T, p.Arg109Trp (NM_001394642.1, NM_001394643.1, NM_001394644.1 and 2 more transcripts); c.247C>T, p.Arg83Trp (NM_001394647.1); c.217C>T, p.Arg73Trp (NM_001394648.1); c.-33C>T (NM_001394649.1); short protein forms R109W, R162W, R198W, R207W, R73W, R83W.
Identifiers: ClinVar variation 1283507 (VCV001283507.1), dbSNP rs130076, ClinGen allele CA3709458.